The following is an entry in ClinVar:

NM_018026.4(PACS1):c.805+9C>G

Gene: PACS1 (phosphofurin acidic cluster sorting protein 1; plus strand). Cytogenetic location: 11q13.2.
Variant type: single nucleotide variant.
Coding change: c.805+9C>G on transcript NM_018026.4 (MANE Select); 9 bases into the intron after coding-DNA position 805, C replaced by G.
Molecular consequence: intron variant.
Genome position (GRCh38, 1-based): chr11:66,216,272, C>G. VCF-style: chr11-66216272-C-G. GRCh37 (hg19) VCF-style: chr11-65983743-C-G.
Identifiers: ClinVar variation 2022215 (VCV002022215.4), dbSNP rs750379635, ClinGen allele CA6116343.

ClinVar aggregate classification (germline): Uncertain significance (1 of 4 stars; one submission).

Conditions:
Schuurs-Hoeijmakers syndrome. Also called: PACS1-Related Neurodevelopmental Disorder. Identifiers: Orphanet 329224, MedGen C3554343, MONDO:0014006, OMIM 615009.

Allele frequency attached by ClinVar (database versions not stated): gnomAD exomes below 0.00001; ExAC 0.00001.
gnomAD v4.1: 2 of 1,613,836 alleles (0.00012%); highest among the groups gnomAD compares: African/African-American, 0.0013%; no homozygotes.

Submission:

Labcorp Genetics (formerly Invitae), Labcorp
Classification: Uncertain significance for Schuurs-Hoeijmakers syndrome. Last evaluated: 2022-08-06. Review status: criteria provided, single submitter. Criteria: Invitae Variant Classification Sherloc (09022015). Collection method: clinical testing. Allele origin: germline.
Comment: In summary, the available evidence is currently insufficient to determine the role of this variant in disease. Therefore, it has been classified as a Variant of Uncertain Significance. Algorithms developed to predict the effect of sequence changes on RNA splicing suggest that this variant may create or strengthen a splice site. This variant has not been reported in the literature in individuals affected with PACS1-related conditions. This variant is present in population databases (rs750379635, gnomAD 0.007%). This sequence change falls in intron 5 of the PACS1 gene. It does not directly change the encoded amino acid sequence of the PACS1 protein.